The following is an entry in ClinVar:

NM_001378609.3(OTOGL):c.4718A>G (p.His1573Arg)

Gene: OTOGL (otogelin like; plus strand). Cytogenetic location: 12q21.31.
Variant type: single nucleotide variant.
Coding change: c.4718A>G on transcript NM_001378609.3 (MANE Select); coding-DNA position 4718, A replaced by G.
Protein change: p.His1573Arg; replaces histidine 1573 with arginine.
Molecular consequence: missense variant.
Genome position (GRCh38, 1-based): chr12:80,336,530, A>G. VCF-style: chr12-80336530-A-G. GRCh37 (hg19) VCF-style: chr12-80730310-A-G.
Other names: c.4583A>G, p.His1528Arg (NM_001368062.3); c.4718A>G, p.His1573Arg (NM_001378610.3, NM_173591.7); short protein forms H1528R, H1573R.
Identifiers: ClinVar variation 3926734 (VCV003926734.2).
Genomic context (GRCh38, chr12:80,336,530, plus strand): 5'-CATTATATAGCATGGCTTCTTATATCTTAGTAAGAATTCCTGGTGAAATTATAGTTGCTC[A>G]TATCGAAAAATGTTCCATGAATCAGGTGGGTCATAATTTATTTTTGCAGTCATTTCATCA-3'
Protein context (NP_001365538.2, residues 1563-1583): VRIPGEIIVA[His1573Arg]IEKCSMNQNG

ClinVar aggregate classification (germline): Uncertain significance. Review status: criteria provided, multiple submitters, no conflicts (2 of 4 stars). 2 submissions from 2 submitters: Uncertain significance (2). Last evaluated 2025-11-12.

Conditions:
Inborn genetic diseases. Identifiers: MedGen C0950123, MeSH D030342.

gnomAD v4.1: 25 of 1,608,514 alleles (0.0016%); highest among the groups gnomAD compares: Admixed American, 0.0017%; no homozygotes.

Submissions (2):

Labcorp Genetics (formerly Invitae), Labcorp
Classification: Uncertain significance. Last evaluated: 2025-11-12. Review status: criteria provided, single submitter. Criteria: Invitae Variant Classification Sherloc (09022015). Collection method: clinical testing. Allele origin: germline.
Comment: This sequence change replaces histidine, which is basic and polar, with arginine, which is basic and polar, at codon 1564 of the OTOGL protein (p.His1564Arg). This variant is present in population databases (rs760190704, gnomAD 0.004%). This variant has not been reported in the literature in individuals affected with OTOGL-related conditions. ClinVar contains an entry for this variant (Variation ID: 3926734). An algorithm developed to predict the effect of missense changes on protein structure and function (PolyPhen-2) suggests that this variant is likely to be disruptive. In summary, the available evidence is currently insufficient to determine the role of this variant in disease. Therefore, it has been classified as a Variant of Uncertain Significance.

Ambry Genetics
Classification: Uncertain significance for Inborn genetic diseases. Last evaluated: 2025-05-13. Review status: criteria provided, single submitter. Criteria: Ambry Variant Classification Scheme 2023. Collection method: clinical testing. Allele origin: germline.